The following is an entry in ClinVar:

NM_001042492.3(NF1):c.1185+10T>C

Gene: NF1 (neurofibromin 1; plus strand). Cytogenetic location: 17q11.2.
Variant type: single nucleotide variant.
Coding change: c.1185+10T>C on transcript NM_001042492.3 (MANE Select); 10 bases into the intron after coding-DNA position 1185, T replaced by C.
Molecular consequence: intron variant.
Genome position (GRCh38, 1-based): chr17:31,201,169, T>C. VCF-style: chr17-31201169-T-C. GRCh37 (hg19) VCF-style: chr17-29528187-T-C.
Other names: c.1185+10T>C (NM_000267.4, NM_001128147.3).
Identifiers: ClinVar variation 774061 (VCV000774061.13), dbSNP rs759048037, ClinGen allele CA8485695.

ClinVar aggregate classification (germline): Conflicting classifications of pathogenicity. Review status: criteria provided, conflicting classifications (1 of 4 stars). 5 submissions from 5 submitters: Uncertain significance (1); Likely benign (4). Last evaluated 2026-05-11.

Conditions:
Neurofibromatosis, type 1 (NF1). Also called: NEUROFIBROMATOSIS, TYPE I, SOMATIC; Peripheral type neurofibromatosis; VON RECKLINGHAUSEN DISEASE; Neurofibromatosis, type I. Identifiers: Orphanet 636, MedGen C0027831, MONDO:0018975, OMIM 162200. Disease mechanism: loss of function.
Hereditary cancer-predisposing syndrome. Also called: Tumor predisposition; Hereditary Cancer Syndrome; Hereditary neoplastic syndrome; Neoplastic Syndromes, Hereditary. Identifiers: Orphanet 140162, MedGen C0027672, MeSH D009386, MONDO:0015356.

Allele frequency attached by ClinVar (database versions not stated): ExAC 0.00001; TOPMed 0.00002; gnomAD exomes 0.00001; gnomAD 0.00003.
gnomAD v4.1: 11 of 1,613,940 alleles (0.00068%); highest among the groups gnomAD compares: African/African-American, 0.0093%; 1 homozygote.

Submissions (5):

Myriad Genetics, Inc.
Classification: Likely benign for Neurofibromatosis, type 1. Last evaluated: 2026-05-11. Review status: criteria provided, single submitter. Criteria: Myriad Autosomal Dominant, Autosomal Recessive and X-Linked Classification Criteria (2023). Collection method: clinical testing. Allele origin: unknown.
Comment: This variant is considered likely benign. This variant is intronic and is not expected to impact mRNA splicing.

Women's Health and Genetics/Laboratory Corporation of America, LabCorp
Classification: Uncertain significance. Last evaluated: 2026-02-23. Review status: criteria provided, single submitter. Criteria: LabCorp Variant Classification Summary - May 2015. Collection method: clinical testing. Allele origin: germline.
Comment: Variant summary: NF1 c.1185+10T>C alters a nucleotide located at a position not widely known to affect splicing. Several computational tools predict a significant impact on normal splicing: Four predict the variant abolishes a 5' splicing donor site. However, these predictions have yet to be confirmed by functional studies. The variant allele was found at a frequency of 8e-06 in 251188 control chromosomes. The available data on variant occurrences in the general population are insufficient to allow any conclusion about variant significance. To our knowledge, no occurrence of c.1185+10T>C in individuals affected with NF1-related conditions and no experimental evidence demonstrating its impact on protein function have been reported. ClinVar contains an entry for this variant (Variation ID: 774061). Based on the evidence outlined above, the variant was classified as uncertain significance.

Labcorp Genetics (formerly Invitae), Labcorp
Classification: Likely benign for Neurofibromatosis, type 1. Last evaluated: 2026-01-12. Review status: criteria provided, single submitter. Criteria: Invitae Variant Classification Sherloc (09022015). Collection method: clinical testing. Allele origin: germline.

Genome-Nilou Lab
Classification: Likely benign for Neurofibromatosis, type 1. Last evaluated: 2022-03-15. Review status: criteria provided, single submitter. Criteria: ACMG Guidelines, 2015. Collection method: clinical testing. Allele origin: germline. Affected: no.

Sema4
Classification: Likely benign for Hereditary cancer-predisposing syndrome. Last evaluated: 2020-12-04. Review status: criteria provided, single submitter. Criteria: Sema4 Curation Guidelines. Collection method: curation. Allele origin: germline.

Literature cited by the submitters: PubMed 10678181 (cited by Women's Health and Genetics/Laboratory Corporation of America, LabCorp); PubMed 23460398 (cited by Women's Health and Genetics/Laboratory Corporation of America, LabCorp); PubMed 29872168 (cited by Women's Health and Genetics/Laboratory Corporation of America, LabCorp); PubMed 27069254 (cited by Women's Health and Genetics/Laboratory Corporation of America, LabCorp).